The following is an entry in ClinVar:

NM_177438.3(DICER1):c.2140C>A (p.Pro714Thr)

Gene: DICER1 (dicer 1, ribonuclease III; minus strand). Cytogenetic location: 14q32.13.
Variant type: single nucleotide variant.
Coding change: c.2140C>A on transcript NM_177438.3 (MANE Select); coding-DNA position 2140, C replaced by A.
Protein change: p.Pro714Thr; replaces proline 714 with threonine.
Molecular consequence: missense variant.
Genome position (GRCh38, 1-based): chr14:95,111,433, G>T on the plus strand (C>A on the coding strand, the complement: DICER1 is on the minus strand). VCF-style: chr14-95111433-G-T. GRCh37 (hg19) VCF-style: chr14-95577770-G-T.
Other names: c.2140C>A, p.Pro714Thr (NM_001195573.1, NM_001271282.3, NM_001291628.2 and 1 more transcripts); c.2140C>A (NM_177438.2); short protein forms P714T.
Identifiers: ClinVar variation 1514433 (VCV001514433.10), dbSNP rs911090648, ClinGen allele CA265912035.
Genomic context (GRCh38, chr14:95,111,433, plus strand): 5'-TCTCTTCTTCATCATGCAAATCAAGCTCCTCTTCATATTTAACAGTCTCTTTCCCAACTG[G>T]CATCAAATGGTCATCCAGTTCGCCTAACAAATTTAAAGAGAGAATTAACACAATCCAGAT-3'
Protein context (NP_803187.1, residues 704-724): KIGELDDHLM[Pro714Thr]VGKETVKYEE

ClinVar aggregate classification (germline): Uncertain significance. Review status: criteria provided, multiple submitters, no conflicts (2 of 4 stars). 2 submissions from 2 submitters: Uncertain significance (2). Last evaluated 2025-10-25.

Conditions:
DICER1-related tumor predisposition. Also called: DICER1 syndrome; DICER1-related pleuropulmonary blastoma cancer predisposition syndrome. Identifiers: Orphanet 284343, MedGen C3839822, MONDO:0100216.
Hereditary cancer-predisposing syndrome. Also called: Neoplastic Syndromes, Hereditary; Hereditary Cancer Syndrome; Tumor predisposition; Hereditary neoplastic syndrome. Identifiers: Orphanet 140162, MedGen C0027672, MeSH D009386, MONDO:0015356.

Allele frequency attached by ClinVar (database versions not stated): TOPMed below 0.00001.

Submissions (2):

Ambry Genetics
Classification: Uncertain significance for Hereditary cancer-predisposing syndrome. Last evaluated: 2025-10-25. Review status: criteria provided, single submitter. Criteria: Ambry Variant Classification Scheme 2023. Collection method: clinical testing. Allele origin: germline.
Comment: The p.P714T variant (also known as c.2140C>A), located in coding exon 13 of the DICER1 gene, results from a C to A substitution at nucleotide position 2140. The proline at codon 714 is replaced by threonine, an amino acid with highly similar properties. This amino acid position is conserved. In addition, this alteration is predicted to be deleterious by in silico analysis. Based on the available evidence, the clinical significance of this variant remains unclear.

Labcorp Genetics (formerly Invitae), Labcorp
Classification: Uncertain significance for DICER1-related tumor predisposition. Last evaluated: 2021-04-23. Review status: criteria provided, single submitter. Criteria: Invitae Variant Classification Sherloc (09022015). Collection method: clinical testing. Allele origin: germline.
Comment: This variant has not been reported in the literature in individuals with DICER1-related conditions. This variant is not present in population databases (ExAC no frequency). This sequence change replaces proline with threonine at codon 714 of the DICER1 protein (p.Pro714Thr). The proline residue is highly conserved and there is a small physicochemical difference between proline and threonine. Algorithms developed to predict the effect of missense changes on protein structure and function (SIFT, PolyPhen-2, Align-GVGD) all suggest that this variant is likely to be disruptive, but these predictions have not been confirmed by published functional studies and their clinical significance is uncertain. In summary, the available evidence is currently insufficient to determine the role of this variant in disease. Therefore, it has been classified as a Variant of Uncertain Significance.